The following is an entry in ClinVar:

ClinVar aggregate classification (germline): Uncertain significance (1 of 4 stars; one submission).

Conditions:
Parenti-mignot neurodevelopmental syndrome. Identifiers: MedGen C5676984, MONDO:0859249, OMIM 619873.

Submission:

Laboratorio de Genetica e Diagnostico Molecular, Hospital Israelita Albert Einstein
Classification: Uncertain significance for Parenti-mignot neurodevelopmental syndrome. Last evaluated: 2024-10-21. Review status: criteria provided, single submitter. Criteria: ACMG Guidelines, 2015. Collection method: clinical testing. Allele origin: germline. Affected: yes.
Comment: ACMG classification criteria: PM2 supporting, PP2 supporting, PP3 supporting

NM_015557.3(CHD5):c.5705G>T (p.Arg1902Leu)

Gene: CHD5 (chromodomain helicase DNA binding protein 5; minus strand). Cytogenetic location: 1p36.31.
Variant type: single nucleotide variant.
Coding change: c.5705G>T on transcript NM_015557.3 (MANE Select); coding-DNA position 5705, G replaced by T.
Protein change: p.Arg1902Leu; replaces arginine 1902 with leucine.
Molecular consequence: missense variant.
Genome position (GRCh38, 1-based): chr1:6,106,653, C>A on the plus strand (G>T on the coding strand, the complement: CHD5 is on the minus strand). VCF-style: chr1-6106653-C-A. GRCh37 (hg19) VCF-style: chr1-6166713-C-A.
Other names: short protein forms R1902L.
Identifiers: ClinVar variation 3902080 (VCV003902080.1).